The following is an entry in ClinVar:

ClinVar aggregate classification (germline): Pathogenic (1 of 4 stars; one submission).

Conditions:
Arterial tortuosity syndrome (ATORS). Identifiers: Orphanet 3342, MedGen C1859726, MONDO:0008818, OMIM 208050.

Submission:

Labcorp Genetics (formerly Invitae), Labcorp
Classification: Pathogenic for Arterial tortuosity syndrome. Last evaluated: 2025-01-01. Review status: criteria provided, single submitter. Criteria: Invitae Variant Classification Sherloc (09022015). Collection method: clinical testing. Allele origin: germline.
Comment: This sequence change affects the initiator methionine of the SLC2A10 mRNA. The next in-frame methionine is located at codon 117. This variant is not present in population databases (gnomAD no frequency). Disruption of the initiator codon has been observed in individual(s) with arterial tortuosity (PMID: 29323665). This variant disrupts a region of the SLC2A10 protein in which other variant(s) (p.Ser81Arg) have been determined to be pathogenic (PMID: 16550171, 18565096). This suggests that this is a clinically significant region of the protein, and that variants that disrupt it are likely to be disease-causing. For these reasons, this variant has been classified as Pathogenic.

Literature cited by the submitters: PubMed 29323665; PubMed 16550171; PubMed 18565096.

NM_030777.4(SLC2A10):c.1A>C (p.Met1Leu)

Gene: SLC2A10 (solute carrier family 2 member 10; plus strand). Cytogenetic location: 20q13.12.
Variant type: single nucleotide variant.
Coding change: c.1A>C on transcript NM_030777.4 (MANE Select); coding-DNA position 1, A replaced by C.
Protein change: p.Met1Leu; changes the start codon (methionine 1).
Molecular consequence: missense variant, initiator codon variant.
Genome position (GRCh38, 1-based): chr20:46,709,737, A>C. VCF-style: chr20-46709737-A-C. GRCh37 (hg19) VCF-style: chr20-45338376-A-C.
Other names: short protein forms M1L.
Identifiers: ClinVar variation 3730294 (VCV003730294.2).